The following is an entry in ClinVar:

ClinVar aggregate classification (germline): Uncertain significance. Review status: criteria provided, multiple submitters, no conflicts (2 of 4 stars). 3 submissions from 3 submitters: Uncertain significance (2). 1 of the submissions does not count toward it. Last evaluated 2026-01-07.

Conditions:
Cardiovascular phenotype. Identifiers: MedGen CN230736.
Muscular dystrophy-dystroglycanopathy type B5 (MDDGB5). Also called: MUSCULAR DYSTROPHY-DYSTROGLYCANOPATHY (CONGENITAL WITH OR WITHOUT IMPAIRED INTELLECTUAL DEVELOPMENT), TYPE B, 5; MUSCULAR DYSTROPHY, CONGENITAL, 1C; MUSCULAR DYSTROPHY, CONGENITAL, FKRP-RELATED. Identifiers: MedGen C1847759, MONDO:0011688, OMIM 606612.
Muscular dystrophy-dystroglycanopathy (congenital with brain and eye anomalies), type A1 (MDDGA1). Also called: COD-MD SYNDROME; Muscular dystrophy-dystroglycanopathy (congenital with brain and eye anomalies), type A, 1; WALKER-WARBURG SYNDROME OR MUSCLE-EYE-BRAIN DISEASE, POMT1-RELATED; Hydrocephalus, agyria and retinal dysplasia; Hard +/- E syndrome; Warburg syndrome. Identifiers: Orphanet 588, Orphanet 899, MedGen C4284790, MONDO:0009364, OMIM 236670.
Autosomal recessive limb-girdle muscular dystrophy type 2I. Also called: MUSCULAR DYSTROPHY-DYSTROGLYCANOPATHY (LIMB-GIRDLE), TYPE C, 5; MUSCULAR DYSTROPHY, LIMB-GIRDLE, TYPE 2I; MUSCULAR DYSTROPHY-DYSTROGLYCANOPATHY, LIMB-GIRDLE, FRKP-RELATED. Identifiers: Orphanet 34515, MedGen C1846672, MONDO:0011787, OMIM 607155.
Muscular dystrophy-dystroglycanopathy (congenital with brain and eye anomalies), type A5. Also called: MUSCULAR DYSTROPHY-DYSTROGLYCANOPATHY (CONGENITAL WITH BRAIN AND EYE ANOMALIES), TYPE A, 5; WALKER-WARBURG SYNDROME OR MUSCLE-EYE-BRAIN DISEASE, FKRP-RELATED. Identifiers: Orphanet 588, Orphanet 899, MedGen C3150413, MONDO:0013157, OMIM 613153.

Submissions (3):

Ambry Genetics
Classification: Uncertain significance for Cardiovascular phenotype. Last evaluated: 2026-01-07. Review status: criteria provided, single submitter. Criteria: Ambry Variant Classification Scheme 2023. Collection method: clinical testing. Allele origin: germline.
Comment: The c.278_283dupTGCCCC variant (also known as p.L93_P94dup), located in coding exon 1 of the FKRP gene, results from an in-frame duplication of TGCCCC at nucleotide positions 278 to 283. This results in the duplication of 2 extra residues (LP) between codons 93 and 94. This amino acid region is well conserved in available vertebrate species. In addition, this variant is predicted to be neutral by in silico analysis (Choi Y et al. PLoS ONE. 2012; 7(10):e46688). Based on the available evidence, the clinical significance of this variant remains unclear.

Fulgent Genetics
Classification: Uncertain significance for Muscular dystrophy-dystroglycanopathy (congenital with brain and eye anomalies), type A1; Muscular dystrophy-dystroglycanopathy type B5; Autosomal recessive limb-girdle muscular dystrophy type 2I; Muscular dystrophy-dystroglycanopathy (congenital with brain and eye anomalies), type A5. Last evaluated: 2021-07-19. Review status: criteria provided, single submitter. Criteria: ACMG Guidelines, 2015. Collection method: clinical testing. Allele origin: unknown.

Counsyl
Classification: Uncertain significance for Autosomal recessive limb-girdle muscular dystrophy type 2I. Last evaluated: 2017-10-07. Review status: no assertion criteria provided. Collection method: clinical testing. Allele origin: unknown. Not counted in ClinVar's aggregate classification.

NM_024301.5(FKRP):c.278_283dup (p.Leu93_Pro94dup)

Gene: FKRP (fukutin related protein; plus strand). Cytogenetic location: 19q13.32.
Variant type: Duplication.
Coding change: c.278_283dup on transcript NM_024301.5 (MANE Select); coding-DNA positions 278 to 283, 6 bases duplicated (TGCCCC; older notation c.278_283dupTGCCCC).
Protein change: p.Leu93_Pro94dup.
Molecular consequence: inframe insertion.
Genome position (GRCh38, 1-based): chr19:46,755,728-46,755,733, TGCCCC duplicated; duplicating any 6 consecutive bases within chr19:46,755,725-46,755,733 gives the same sequence; the c. name uses the placement nearest the transcript's 3' end. VCF-style (leftmost placement, unchanged base first): chr19-46755724-G-GCCCTGC. GRCh37 (hg19) VCF-style: chr19-47258981-G-GCCCTGC.
Other names: c.278_283dup, p.Leu93_Pro94dup (NM_001039885.3); c.278_283dupTGCCCC (NM_024301.4).
Identifiers: ClinVar variation 554061 (VCV000554061.4), dbSNP rs1220815256, ClinGen allele CA658825095.